The following is an entry in ClinVar:

NM_001394998.1(TANC2):c.5738_5742del (p.Thr1913fs)

Gene: TANC2 (tetratricopeptide repeat, ankyrin repeat and coiled-coil containing 2; plus strand). Cytogenetic location: 17q23.3.
Variant type: Deletion.
Coding change: c.5738_5742del on transcript NM_001394998.1 (MANE Select); coding-DNA positions 5738 to 5742, 5 bases deleted (CTCAA; older notation c.5738_5742delCTCAA).
Protein change: p.Thr1913fs; shifts the reading frame from threonine 1913.
Molecular consequence: frameshift variant.
Genome position (GRCh38, 1-based): chr17:63,421,468-63,421,472, CTCAA deleted; deleting any 5 consecutive bases within chr17:63,421,465-63,421,472 gives the same sequence; the c. name uses the placement nearest the transcript's 3' end. VCF-style (leftmost placement, unchanged base first): chr17-63421464-CCAACT-C. GRCh37 (hg19) VCF-style: chr17-61498825-CCAACT-C.
Other names: c.5516_5520del, p.Thr1839fs (NM_001411076.1); c.5486_5490del, p.Thr1829fs (NM_025185.4); short protein forms T1829fs, T1839fs, T1913fs.
Identifiers: ClinVar variation 3173747 (VCV003173747.2), dbSNP rs2510609298, ClinGen allele CA2825002586.
Genomic context (GRCh38, chr17:63,421,464, plus strand): 5'-ATGGAGATCCCACTGAAACCTGCATATGAGAGGTCATGTGACGAGCTGTCGCCAGTGTCT[CCAACT>C]CAAGGAGGTTACCCCAGTGAGCCCACCCGATCCAGGACCACACCATTCATGGGGATCATA-3'

ClinVar aggregate classification (germline): Likely pathogenic (1 of 4 stars; one submission).

Conditions:
Inborn genetic diseases. Identifiers: MedGen C0950123, MeSH D030342.

Submission:

Ambry Genetics
Classification: Likely pathogenic for Inborn genetic diseases. Last evaluated: 2024-04-15. Review status: criteria provided, single submitter. Criteria: Ambry Variant Classification Scheme 2023. Collection method: clinical testing. Allele origin: germline.
Comment: The c.5486_5490delCTCAA (p.T1829Rfs*6) alteration, located in exon 25 (coding exon 25) of the TANC2 gene, consists of a deletion of 5 nucleotides from position 5486 to 5490, causing a translational frameshift with a predicted alternate stop codon after 6 amino acids. This alteration occurs at the 3' terminus of the TANC2 gene, is not expected to trigger nonsense-mediated mRNA decay, and only impacts the last 8% of the protein. However, premature stop codons are typically deleterious in nature and a significant portion of the protein is affected (Ambry internal data). This variant was not reported in population-based cohorts in the Genome Aggregation Database (gnomAD). Based on the available evidence, this alteration is classified as likely pathogenic.